The following is an entry in ClinVar:

NM_001127222.2(CACNA1A):c.4089+18T>G

Gene: CACNA1A (calcium voltage-gated channel subunit alpha1 A; minus strand). Cytogenetic location: 19p13.13.
Variant type: single nucleotide variant.
Coding change: c.4089+18T>G on transcript NM_001127222.2 (MANE Select); 18 bases into the intron after coding-DNA position 4089, T replaced by G.
Molecular consequence: intron variant.
Genome position (GRCh38, 1-based): chr19:13,262,716, A>C on the plus strand (T>G on the coding strand, the complement: CACNA1A is on the minus strand). VCF-style: chr19-13262716-A-C. GRCh37 (hg19) VCF-style: chr19-13373530-A-C.
Other names: c.4092+18T>G (NM_001127221.2, NM_001174080.2); c.4101+18T>G (NM_000068.4, NM_023035.3).
Identifiers: ClinVar variation 931950 (VCV000931950.3), dbSNP rs1600198282, ClinGen allele CA915940621.
Genomic context (GRCh38, chr19:13,262,716, plus strand): 5'-GCAGTGTACAACCTGCTCAGCTGTACATGATAACCCTGACAGTCCCCCCCACCGCACCCC[A>C]CCATCTCCCAATCTCACCTTGAGCTTTGGCAGCCGCTTGATGGTTTTAAGAGGTCGTAGC-3'

ClinVar aggregate classification (germline): Uncertain significance (1 of 4 stars; one submission).

Conditions:
Migraine, familial hemiplegic, 1. Also called: MIGRAINE, FAMILIAL HEMIPLEGIC 1, WITH PROGRESSIVE CEREBELLAR ATAXIA. Identifiers: Orphanet 569, MedGen C1832884, MONDO:0020756, OMIM 141500, MONDO:0007714.

Submission:

Centre for Mendelian Genomics, University Medical Centre Ljubljana
Classification: Uncertain significance for Migraine, familial hemiplegic, 1. Last evaluated: 2018-11-28. Review status: criteria provided, single submitter. Criteria: ACMG Guidelines, 2015. Collection method: clinical testing. Allele origin: unknown. Affected: yes.
Comment: This variant was classified as: Uncertain significance. The available evidence on this variant's pathogenicity is insufficient or conflicting. The following ACMG criteria were applied in classifying this variant: PM2.